The following is an entry in ClinVar:

ClinVar aggregate classification (germline): Uncertain significance (1 of 4 stars; one submission).

Submission:

Labcorp Genetics (formerly Invitae), Labcorp
Classification: Uncertain significance. Last evaluated: 2022-03-20. Review status: criteria provided, single submitter. Criteria: Invitae Variant Classification Sherloc (09022015). Collection method: clinical testing. Allele origin: germline.
Comment: In summary, the available evidence is currently insufficient to determine the role of this variant in disease. Therefore, it has been classified as a Variant of Uncertain Significance. Advanced modeling of protein sequence and biophysical properties (such as structural, functional, and spatial information, amino acid conservation, physicochemical variation, residue mobility, and thermodynamic stability) performed at Invitae indicates that this missense variant is not expected to disrupt ABCA4 protein function. This variant has not been reported in the literature in individuals affected with ABCA4-related conditions. This variant is not present in population databases (gnomAD no frequency). This sequence change replaces glutamic acid, which is acidic and polar, with glutamine, which is neutral and polar, at codon 939 of the ABCA4 protein (p.Glu939Gln).

NM_000350.3(ABCA4):c.2815G>C (p.Glu939Gln)

Gene: ABCA4 (ATP binding cassette subfamily A member 4; minus strand). Cytogenetic location: 1p22.1.
Variant type: single nucleotide variant.
Coding change: c.2815G>C on transcript NM_000350.3 (MANE Select); coding-DNA position 2815, G replaced by C.
Protein change: p.Glu939Gln; replaces glutamic acid 939 with glutamine.
Molecular consequence: missense variant.
Genome position (GRCh38, 1-based): chr1:94,047,022, C>G on the plus strand (G>C on the coding strand, the complement: ABCA4 is on the minus strand). VCF-style: chr1-94047022-C-G. GRCh37 (hg19) VCF-style: chr1-94512578-C-G.
Other names: c.2593G>C, p.Glu865Gln (NM_001425324.1); short protein forms E939Q, E865Q.
Identifiers: ClinVar variation 2115252 (VCV002115252.4), dbSNP rs786205447, ClinGen allele CA341275484.